The following is an entry in ClinVar:

NM_174858.3(AK5):c.609= (p.Lys203=)

Gene: AK5 (adenylate kinase 5; plus strand). Cytogenetic location: 1p31.1.
Variant type: single nucleotide variant.
Coding change: c.609= on transcript NM_174858.3 (MANE Select); coding-DNA position 609, no change from the reference sequence.
Protein change: p.Lys203=; no amino-acid change (lysine 203 retained).
Molecular consequence: no sequence alteration.
Genome position: GRCh38 VCF-style: chr1-77297857-A-A. GRCh37 (hg19) VCF-style: chr1-77763542-G-A.
Other names: c.531=, p.Lys177= (NM_012093.4).
Identifiers: ClinVar variation 402356 (VCV000402356.5), dbSNP rs1167206.

ClinVar aggregate classification (germline): Benign. Review status: criteria provided, multiple submitters, no conflicts (2 of 4 stars). 2 submissions from 2 submitters: Benign (2). Last evaluated 2016-03-29.

Allele frequency attached by ClinVar (database versions not stated): 1000 Genomes Project 30x 0.97861; TOPMed 0.98439; gnomAD 0.98455 and 0.98540; gnomAD exomes 0.99870.

Submissions (2):

Laboratory for Molecular Medicine, Mass General Brigham Personalized Medicine
Classification: Benign. Last evaluated: 2016-03-29. Review status: criteria provided, single submitter. Criteria: LMM Criteria. Collection method: clinical testing. Allele origin: germline.
Comment: Variant identified in a genome or exome case(s) and assessed due to predicted null impact of the variant or pathogenic assertions in the literature or databases. Disclaimer: This variant has not undergone full assessment. The following are preliminary notes: MAF

Breakthrough Genomics
Classification: Benign. Review status: criteria provided, single submitter. Criteria: ACMG Guidelines, 2015. Collection method: not provided. Allele origin: germline. Inheritance: Unknown mechanism. Affected: yes.